The following is an entry in ClinVar:

ClinVar aggregate classification (germline): Pathogenic (0 of 4 stars; one submission).

Submission:

Quest Diagnostics Nichols Institute San Juan Capistrano
Classification: Pathogenic. Last evaluated: 2021-02-01. Review status: no assertion criteria provided. Collection method: clinical testing. Allele origin: germline.
Comment: The copy number gain of 2p16.3 involves multiple coding exons (exons 2-5, NM_004801.5, also known as the alpha transcript) of the 5' portion of NRXN1 (OMIM 600565). It is expected to cause phenotypic and/or developmental abnormalities. Haploinsufficiency of NRXN1 is associated with a wide spectrum of developmental and neuropsychiatric disorders, including developmental delay, intellectual disability, autism spectrum disorders, schizophrenia, hypotonia, and epilepsy (Castronovo et al., Clin Genet 2020;97(1):125-137, PMID: 30873608; Alfieri et al., Genes Brain Behav 2020;19(7):e12687, PMID: 32658356; Shehhi et al., Eur J Med Genet 2019;62(3):204-209, PMID: 30031152; Lowther et al, Genet Med 2017;19(1):53-61; PMID: 27195815). Most described cases have a de novo NRXN1 deletion; however, heterozygous deletions have also been found in unaffected parents and siblings, which suggests incomplete penetrance. Further information on this locus is as follows: Biallelic loss-of-function variants of NRXN1 are associated with Pitt-Hopkins-like syndrome-2 (OMIM 614325), which is characterized by severe intellectual disability, developmental regression after the first years of life, hypotonia, poor feeding, and autistic behavior. Other manifestations may include epileptic encephalopathy, sleeping problems, decreased reflexes in the upper extremities, constipation, early-onset puberty, and mild facial dysmorphic features.

GRCh37/hg19 2p16.3(chr2:51002884-51257328)x1

Gene: NRXN1 (neurexin 1; minus strand). Cytogenetic location: 2p16.3.
Variant type: copy number loss.
Change: copy number 1 (one copy instead of two) of chr2:51,002,884-51,257,328 (254.4 kb, GRCh37 coordinates, 1-based), cytogenetic band 2p16.3.
Identifiers: ClinVar variation 1341259 (VCV001341259.1).